The following is an entry in ClinVar:

NM_015375.3(DSTYK):c.1802C>T (p.Ala601Val)

Gene: DSTYK (dual serine/threonine and tyrosine protein kinase; minus strand). Cytogenetic location: 1q32.1.
Variant type: single nucleotide variant.
Coding change: c.1802C>T on transcript NM_015375.3 (MANE Select); coding-DNA position 1802, C replaced by T.
Protein change: p.Ala601Val; replaces alanine 601 with valine.
Molecular consequence: missense variant.
Genome position (GRCh38, 1-based): chr1:205,162,052, G>A on the plus strand (C>T on the coding strand, the complement: DSTYK is on the minus strand). VCF-style: chr1-205162052-G-A. GRCh37 (hg19) VCF-style: chr1-205131180-G-A.
Other names: c.1802C>T, p.Ala601Val (NM_199462.3); short protein forms A601V.
Identifiers: ClinVar variation 1315780 (VCV001315780.3), dbSNP rs867889224, ClinGen allele CA36429594.

ClinVar aggregate classification (germline): Uncertain significance. Review status: criteria provided, multiple submitters, no conflicts (2 of 4 stars). 2 submissions from 2 submitters: Uncertain significance (2). Last evaluated 2025-02-26.

Submissions (2):

Ambry Genetics
Classification: Uncertain significance. Last evaluated: 2025-02-26. Review status: criteria provided, single submitter. Criteria: Ambry Variant Classification Scheme 2023. Collection method: clinical testing. Allele origin: germline.

GeneDx
Classification: Uncertain significance. Last evaluated: 2020-10-08. Review status: criteria provided, single submitter. Criteria: GeneDx Variant Classification Process June 2021. Collection method: clinical testing. Allele origin: germline. Affected: yes.
Comment: Not observed in large population cohorts (Lek et al., 2016); In silico analysis supports that this missense variant does not alter protein structure/function; Has not been previously published as pathogenic or benign to our knowledge